The following is an entry in ClinVar:

NM_004444.5(EPHB4):c.1819G>A (p.Ala607Thr)

Gene: EPHB4 (EPH receptor B4; minus strand). Cytogenetic location: 7q22.1.
Variant type: single nucleotide variant.
Coding change: c.1819G>A on transcript NM_004444.5 (MANE Select); coding-DNA position 1819, G replaced by A.
Protein change: p.Ala607Thr; replaces alanine 607 with threonine.
Molecular consequence: missense variant.
Genome position (GRCh38, 1-based): chr7:100,813,146, C>T on the plus strand (G>A on the coding strand, the complement: EPHB4 is on the minus strand). VCF-style: chr7-100813146-C-T. GRCh37 (hg19) VCF-style: chr7-100410768-C-T.
Other names: short protein forms A607T.
Identifiers: ClinVar variation 4686283 (VCV004686283.1).

ClinVar aggregate classification (germline): Uncertain significance (1 of 4 stars; one submission).

gnomAD v4.1: 2 of 1,611,270 alleles (0.00012%); no homozygotes.

Submission:

GeneDx
Classification: Uncertain significance. Last evaluated: 2025-07-17. Review status: criteria provided, single submitter. Criteria: GeneDx Variant Classification Process June 2021. Collection method: clinical testing. Allele origin: germline. Affected: yes.
Comment: Not observed at significant frequency in large population cohorts (gnomAD); In silico analysis supports that this missense variant has a deleterious effect on protein structure/function; Has not been previously published as pathogenic or benign to our knowledge